The following is an entry in ClinVar:

NM_005534.4(IFNGR2):c.20_31dup (p.Leu10_Leu11insArgSerLeuLeu)

Genes: IFNGR2 (interferon gamma receptor 2; plus strand), LOC119266102 (IFNGR2 promoter region; plus strand). Cytogenetic location: 21q22.11.
Variant type: Duplication.
Coding change: c.20_31dup on transcript NM_005534.4 (MANE Select); coding-DNA positions 20 to 31, 12 bases duplicated (GGTCGCTGCTGC).
Protein change: p.Leu10_Leu11insArgSerLeuLeu.
Molecular consequence: inframe insertion.
Genome position (GRCh38, 1-based): chr21:33,403,563-33,403,574, GGTCGCTGCTGC duplicated. VCF-style (leftmost placement, unchanged base first): chr21-33403562-T-TGGTCGCTGCTGC. GRCh37 (hg19) VCF-style: chr21-34775868-T-TGGTCGCTGCTGC.
Other names: c.20_31dup, p.Leu10_Leu11insArgSerLeuLeu (NM_001329128.2).
Identifiers: ClinVar variation 952636 (VCV000952636.6), dbSNP rs1466765626, ClinGen allele CA637663587.

ClinVar aggregate classification (germline): Uncertain significance (1 of 4 stars; one submission).

Conditions:
Immunodeficiency 28 (IMD28). Also called: IFNGR2 DEFICIENCY. Identifiers: Orphanet 319547, Orphanet 319574, MedGen C4013947, MONDO:0013953, OMIM 614889.

Allele frequency attached by ClinVar (database versions not stated): gnomAD exomes 0.00003; gnomAD 0.00004 and 0.00005; TOPMed 0.00006.

Submission:

Labcorp Genetics (formerly Invitae), Labcorp
Classification: Uncertain significance for Immunodeficiency 28. Last evaluated: 2021-08-26. Review status: criteria provided, single submitter. Criteria: Invitae Variant Classification Sherloc (09022015). Collection method: clinical testing. Allele origin: germline.
Comment: This variant, c.20_31dup, results in the insertion of 4 amino acid(s) to the IFNGR2 protein (p.Leu10_Leu11insArgSerLeuLeu), but otherwise preserves the integrity of the reading frame. The frequency data for this variant in the population databases is considered unreliable, as metrics indicate insufficient coverage at this position in the ExAC database. This variant has not been reported in the literature in individuals affected with IFNGR2-related conditions. Experimental studies and prediction algorithms are not available or were not evaluated, and the functional significance of this variant is currently unknown. In summary, the available evidence is currently insufficient to determine the role of this variant in disease. Therefore, it has been classified as a Variant of Uncertain Significance.